The following is an entry in ClinVar:

ClinVar aggregate classification (germline): Conflicting classifications of pathogenicity. Review status: criteria provided, conflicting classifications (1 of 4 stars). 2 submissions from 2 submitters: Uncertain significance (1); Likely benign (1). Last evaluated 2026-01-24.

Conditions:
Alagille syndrome due to a JAG1 point mutation. Also called: HEPATIC DUCTULAR HYPOPLASIA, SYNDROMATIC; Alagille Syndrome 1; JAG1-Related Alagille Syndrome. Identifiers: Orphanet 261619, Orphanet 52, MedGen C1956125, MONDO:0016862, OMIM 118450.
Cardiovascular phenotype. Identifiers: MedGen CN230736.

Allele frequency attached by ClinVar (database versions not stated): gnomAD 0.00001.
gnomAD v4.1: 5 of 1,605,926 alleles (0.00031%); highest among the groups gnomAD compares: African/African-American, 0.0013%; no homozygotes.

Submissions (2):

Ambry Genetics
Classification: Likely benign for Cardiovascular phenotype. Last evaluated: 2026-01-24. Review status: criteria provided, single submitter. Criteria: Ambry Variant Classification Scheme 2023. Collection method: clinical testing. Allele origin: germline.

Labcorp Genetics (formerly Invitae), Labcorp
Classification: Uncertain significance for Alagille syndrome due to a JAG1 point mutation. Last evaluated: 2022-07-30. Review status: criteria provided, single submitter. Criteria: Invitae Variant Classification Sherloc (09022015). Collection method: clinical testing. Allele origin: germline.
Comment: In summary, the available evidence is currently insufficient to determine the role of this variant in disease. Therefore, it has been classified as a Variant of Uncertain Significance. This sequence change affects codon 373 of the JAG1 mRNA. It is a 'silent' change, meaning that it does not change the encoded amino acid sequence of the JAG1 protein. It affects a nucleotide within the consensus splice site. This variant is not present in population databases (gnomAD no frequency). This variant has not been reported in the literature in individuals affected with JAG1-related conditions. Algorithms developed to predict the effect of sequence changes on RNA splicing suggest that this variant is not likely to affect RNA splicing.

NM_000214.3(JAG1):c.1119A>G (p.Thr373=)

Gene: JAG1 (jagged canonical Notch ligand 1; minus strand). Cytogenetic location: 20p12.2.
Variant type: single nucleotide variant.
Coding change: c.1119A>G on transcript NM_000214.3 (MANE Select); coding-DNA position 1119, A replaced by G.
Protein change: p.Thr373=; no amino-acid change (threonine 373 retained).
Molecular consequence: synonymous variant.
Genome position (GRCh38, 1-based): chr20:10,651,582, T>C on the plus strand (A>G on the coding strand, the complement: JAG1 is on the minus strand). VCF-style: chr20-10651582-T-C. GRCh37 (hg19) VCF-style: chr20-10632230-T-C.
Other names: c.1119A>G (NM_000214.2).
Identifiers: ClinVar variation 2141513 (VCV002141513.5), dbSNP rs762382192, ClinGen allele CA509661761.